The following is an entry in ClinVar:

ClinVar aggregate classification (germline): Benign/Likely benign. Review status: criteria provided, multiple submitters, no conflicts (2 of 4 stars). 4 submissions from 4 submitters: Benign (2); Likely benign (2). Last evaluated 2024-11-14.

Conditions:
Occult macular dystrophy (OCMD). Also called: OMD; OCCULT MACULAR DYSTROPHY, SUSCEPTIBILITY TO. Identifiers: Orphanet 247834, MedGen C3150833, MONDO:0013316, OMIM 613587, HP:0030636.

Allele frequency attached by ClinVar (database versions not stated): TOPMed 0.00131; ESP Exome Variant Server 0.00147; 1000 Genomes Project 30x 0.00031; 1000 Genomes Project 0.00040; ExAC 0.00041.
gnomAD v4.1: 575 of 1,611,516 alleles (0.036%); highest among the groups gnomAD compares: African/African-American, 0.25%; 1 homozygote.

Submissions (4):

Blueprint Genetics
Classification: Likely benign. Last evaluated: 2024-11-14. Review status: criteria provided, single submitter. Criteria: ACMG Guidelines, 2015. Collection method: clinical testing. Allele origin: germline.

CeGaT Center for Human Genetics Tuebingen
Classification: Likely benign. Last evaluated: 2023-02-01. Review status: criteria provided, single submitter. Criteria: CeGaT Center For Human Genetics Tuebingen Variant Classification Criteria Version 2. Collection method: clinical testing. Allele origin: germline. Affected: yes. Observed: 2 variant alleles.
Comment: RP1L1: BP4, BP7

Illumina Laboratory Services, Illumina
Classification: Benign for Occult macular dystrophy. Last evaluated: 2018-01-13. Review status: criteria provided, single submitter. Criteria: ICSL Variant Classification Criteria 13 December 2019. Collection method: clinical testing. Allele origin: germline.
Comment: This variant was observed in the ICSL laboratory as part of a predisposition screen in an ostensibly healthy population. It had not been previously curated by ICSL or reported in the Human Gene Mutation Database (HGMD: prior to June 1st, 2018), and was therefore a candidate for classification through an automated scoring system. Utilizing variant allele frequency, disease prevalence and penetrance estimates, and inheritance mode, an automated score was calculated to assess if this variant is too frequent to cause the disease. Based on the score and internal cut-off values, a variant classified as benign is not then subjected to further curation. The score for this variant resulted in a classification of benign for this disease.

Breakthrough Genomics
Classification: Benign. Review status: criteria provided, single submitter. Criteria: ACMG Guidelines, 2015. Collection method: not provided. Allele origin: germline. Inheritance: Autosomal recessive inheritance. Affected: yes.

NM_178857.6(RP1L1):c.4905C>T (p.Asp1635=)

Gene: RP1L1 (RP1 like 1). Cytogenetic location: 8p23.1.
Variant type: single nucleotide variant.
Coding change: c.4905C>T on transcript NM_178857.6 (MANE Select); coding-DNA position 4905, C replaced by T.
Protein change: p.Asp1635=; no amino-acid change (aspartic acid 1635 retained).
Molecular consequence: synonymous variant.
Genome position (GRCh38, 1-based): chr8:10,609,193, G>A on the plus strand (C>T on the coding strand, the complement: RP1L1 is on the minus strand). VCF-style: chr8-10609193-G-A. GRCh37 (hg19) VCF-style: chr8-10466703-G-A.
Identifiers: ClinVar variation 910234 (VCV000910234.30), dbSNP rs200540100, ClinGen allele CA4623844.